The following is an entry in ClinVar:

NM_017934.7(PHIP):c.2018-5C>T

Gene: PHIP (PHIP subunit of CUL4-Ring ligase complex; minus strand). Cytogenetic location: 6q14.1.
Variant type: single nucleotide variant.
Coding change: c.2018-5C>T on transcript NM_017934.7 (MANE Select); 5 bases into the intron before coding-DNA position 2018, C replaced by T.
Molecular consequence: intron variant.
Genome position (GRCh38, 1-based): chr6:78,997,602, G>A on the plus strand (C>T on the coding strand, the complement: PHIP is on the minus strand). VCF-style: chr6-78997602-G-A. GRCh37 (hg19) VCF-style: chr6-79707319-G-A.
Identifiers: ClinVar variation 3348018 (VCV003348018.1).

ClinVar aggregate classification (germline): Likely benign (0 of 4 stars; one submission).

Conditions:
PHIP-related disorder. Also called: PHIP-related condition; PHIP-related disorders.

gnomAD v4.1: 9 of 1,608,102 alleles (0.00056%); highest among the groups gnomAD compares: Non-Finnish European, 0.00077%; no homozygotes.

Submission:

PreventionGenetics, part of Exact Sciences
Classification: Likely benign for PHIP-related condition. Last evaluated: 2024-03-06. Review status: no assertion criteria provided. Collection method: clinical testing. Allele origin: germline.
Comment: This variant is classified as likely benign based on ACMG/AMP sequence variant interpretation guidelines (Richards et al. 2015 PMID: 25741868, with internal and published modifications).